The following is an entry in ClinVar:

ClinVar aggregate classification (germline): Uncertain significance (1 of 4 stars; one submission).

Allele frequency attached by ClinVar (database versions not stated): gnomAD exomes below 0.00001; gnomAD 0.00002; TOPMed 0.00002; ExAC 0.00005; 1000 Genomes Project 30x 0.00016; 1000 Genomes Project 0.00020.
gnomAD v4.1: 8 of 1,521,700 alleles (0.00053%); highest among the groups gnomAD compares: African/African-American, 0.011%; no homozygotes.

Submission:

Labcorp Genetics (formerly Invitae), Labcorp
Classification: Uncertain significance. Last evaluated: 2022-04-12. Review status: criteria provided, single submitter. Criteria: Invitae Variant Classification Sherloc (09022015). Collection method: clinical testing. Allele origin: germline.
Comment: Advanced modeling of protein sequence and biophysical properties (such as structural, functional, and spatial information, amino acid conservation, physicochemical variation, residue mobility, and thermodynamic stability) performed at Invitae indicates that this missense variant is not expected to disrupt CPLANE1 protein function. In summary, the available evidence is currently insufficient to determine the role of this variant in disease. Therefore, it has been classified as a Variant of Uncertain Significance. This variant has not been reported in the literature in individuals affected with CPLANE1-related conditions. The frequency data for this variant in the population databases is considered unreliable, as metrics indicate poor data quality at this position in the gnomAD database. This sequence change replaces cysteine, which is neutral and slightly polar, with phenylalanine, which is neutral and non-polar, at codon 924 of the CPLANE1 protein (p.Cys924Phe).

NM_001384732.1(CPLANE1):c.2771G>T (p.Cys924Phe)

Gene: CPLANE1 (ciliogenesis and planar polarity effector complex subunit 1; minus strand). Cytogenetic location: 5p13.2.
Variant type: single nucleotide variant.
Coding change: c.2771G>T on transcript NM_001384732.1 (MANE Select); coding-DNA position 2771, G replaced by T.
Protein change: p.Cys924Phe; replaces cysteine 924 with phenylalanine.
Molecular consequence: missense variant.
Genome position (GRCh38, 1-based): chr5:37,213,708, C>A on the plus strand (G>T on the coding strand, the complement: CPLANE1 is on the minus strand). VCF-style: chr5-37213708-C-A. GRCh37 (hg19) VCF-style: chr5-37213810-C-A.
Other names: c.2771G>T, p.Cys924Phe (NM_023073.4); short protein forms C924F.
Identifiers: ClinVar variation 2066244 (VCV002066244.3), dbSNP rs567136523, ClinGen allele CA3239014.
Genomic context (GRCh38, chr5:37,213,708, plus strand): 5'-CGAGCCATGGACTGGACGACTCTCACTGCTGCCTCAGGATGAACACCGCCCACCATTCCA[C>A]ACTCAAAATGAGACTTTGCAGCACCTAAGGAATACAGCAATGACCTAAGAAGATTGTGAT-3'
Protein context (NP_001371661.1, residues 914-934): FSGAAKSHFE[Cys924Phe]GMVGGVHPEA